The following is an entry in ClinVar:

ClinVar aggregate classification (germline): Likely benign (1 of 4 stars; one submission).

Submission:

CeGaT Center for Human Genetics Tuebingen
Classification: Likely benign. Last evaluated: 2025-01-01. Review status: criteria provided, single submitter. Criteria: CeGaT Center For Human Genetics Tuebingen Variant Classification Criteria Version 2. Collection method: clinical testing. Allele origin: germline. Affected: yes. Observed: 1 variant allele.
Comment: PIK3R2: PM2:Supporting, BP4, BP7

NM_005027.4(PIK3R2):c.1182C>G (p.Thr394=)

Gene: PIK3R2 (phosphoinositide-3-kinase regulatory subunit 2; plus strand). Cytogenetic location: 19p13.11.
Variant type: single nucleotide variant.
Coding change: c.1182C>G on transcript NM_005027.4 (MANE Select); coding-DNA position 1182, C replaced by G.
Protein change: p.Thr394=; no amino-acid change (threonine 394 retained).
Molecular consequence: synonymous variant. On other transcripts: non-coding transcript variant (2).
Genome position (GRCh38, 1-based): chr19:18,163,039, C>G. VCF-style: chr19-18163039-C-G. GRCh37 (hg19) VCF-style: chr19-18273849-C-G.
Identifiers: ClinVar variation 3771709 (VCV003771709.13).
Genomic context (GRCh38, chr19:18,163,039, plus strand): 5'-CAATAAGCTGATCAAGGTCTTCCACCGAGATGGGCACTATGGCTTCTCAGAGCCACTCAC[C>G]TTCTGCTCCGTTGTGGACCTCATCAATCACTACCGCCACGAGTCTCTGGCCCAGTACAAT-3'
Protein context (NP_005018.2, residues 384-404): DGHYGFSEPL[Thr394=]FCSVVDLINH